The following is an entry in ClinVar:

NM_000455.5(STK11):c.465-10C>G

Gene: STK11 (serine/threonine kinase 11; plus strand). Cytogenetic location: 19p13.3.
Variant type: single nucleotide variant.
Coding change: c.465-10C>G on transcript NM_000455.5 (MANE Select); 10 bases into the intron before coding-DNA position 465, C replaced by G.
Molecular consequence: intron variant.
Genome position (GRCh38, 1-based): chr19:1,220,363, C>G. VCF-style: chr19-1220363-C-G. GRCh37 (hg19) VCF-style: chr19-1220362-C-G.
Identifiers: ClinVar variation 412535 (VCV000412535.22), dbSNP rs1060503780, ClinGen allele CA16616016.

ClinVar aggregate classification (germline): Conflicting classifications of pathogenicity. Review status: criteria provided, conflicting classifications (1 of 4 stars). 5 submissions from 5 submitters: Uncertain significance (2); Likely benign (2). 1 of the submissions does not count toward it. Last evaluated 2025-08-07.

Conditions:
Hereditary cancer-predisposing syndrome. Also called: Hereditary neoplastic syndrome; Neoplastic Syndromes, Hereditary; Tumor predisposition; Hereditary Cancer Syndrome. Identifiers: Orphanet 140162, MedGen C0027672, MeSH D009386, MONDO:0015356.
Breast and/or ovarian cancer. Identifiers: MedGen CN221562.
Peutz-Jeghers syndrome (PJS). Also called: POLYPOSIS, HAMARTOMATOUS INTESTINAL; POLYPS-AND-SPOTS SYNDROME; Peutz-Jeghers polyposis; Periorificial lentiginosis syndrome. Identifiers: Orphanet 2869, MedGen C0031269, MeSH D010580, MONDO:0008280, OMIM 175200.
Malignant tumor of breast. Also called: Cancer breast; Malignant breast neoplasm. Identifiers: MedGen C0006142, MONDO:0007254. Disease mechanism: loss of function.

Allele frequency attached by ClinVar (database versions not stated): gnomAD exomes below 0.00001; TOPMed below 0.00001; gnomAD 0.00001.

Submissions (5):

Labcorp Genetics (formerly Invitae), Labcorp
Classification: Likely benign for Peutz-Jeghers syndrome. Last evaluated: 2025-08-07. Review status: criteria provided, single submitter. Criteria: Invitae Variant Classification Sherloc (09022015). Collection method: clinical testing. Allele origin: germline.

Color Diagnostics, LLC DBA Color Health
Classification: Likely benign for Hereditary cancer-predisposing syndrome. Last evaluated: 2024-09-23. Review status: criteria provided, single submitter. Criteria: ACMG Guidelines, 2015. Collection method: clinical testing. Allele origin: germline.

CHEO Genetics Diagnostic Laboratory, Children's Hospital of Eastern Ontario
Classification: Uncertain significance for Breast and/or ovarian cancer. Last evaluated: 2023-05-01. Review status: criteria provided, single submitter. Criteria: ACMG Guidelines, 2015. Collection method: clinical testing. Allele origin: germline.

Genome-Nilou Lab
Classification: Uncertain significance for Peutz-Jeghers syndrome. Last evaluated: 2021-07-15. Review status: criteria provided, single submitter. Criteria: ACMG Guidelines, 2015. Collection method: clinical testing. Allele origin: germline. Affected: no.

Department of Pathology and Laboratory Medicine, Sinai Health System
Classification: Uncertain significance for Malignant tumor of breast. Review status: no assertion criteria provided. Collection method: clinical testing. Allele origin: unknown. Affected: yes. Observed: 1 variant allele. Study: The Canadian Open Genetics Repository (COGR). Not counted in ClinVar's aggregate classification.
Comment: The STK11 c.465-10C>G variant was not identified in the literature nor was it identified in the dbSNP, Cosmic, LOVD 3.0, Zhejiang University, or Insight Hereditary Tumors databases. The variant was identified in ClinVar (classified as likely benign by Invitae). The variant was not identified in the following control databases: the 1000 Genomes Project, the NHLBI GO Exome Sequencing Project, the Exome Aggregation Consortium (August 8th 2016), or the Genome Aggregation Database (Feb 27, 2017). The variant occurs outside of the splicing consensus sequence and in silico or computational prediction software programs (SpliceSiteFinder, MaxEntScan, NNSPLICE, GeneSplicer) do not predict a difference in splicing. In summary, based on the above information the clinical significance of this variant cannot be determined with certainty at this time. This variant is classified as a variant of uncertain significance.